The following is an entry in ClinVar:

NM_024757.5(EHMT1):c.145G>A (p.Ala49Thr)

Gene: EHMT1 (euchromatic histone lysine methyltransferase 1; plus strand). Cytogenetic location: 9q34.3.
Variant type: single nucleotide variant.
Coding change: c.145G>A on transcript NM_024757.5 (MANE Select); coding-DNA position 145, G replaced by A.
Protein change: p.Ala49Thr; replaces alanine 49 with threonine.
Molecular consequence: missense variant.
Genome position (GRCh38, 1-based): chr9:137,716,685, G>A. VCF-style: chr9-137716685-G-A. GRCh37 (hg19) VCF-style: chr9-140611137-G-A.
Other names: c.145G>A, p.Ala49Thr (NM_001145527.2, NM_001354263.2, NM_001354611.2); c.52G>A, p.Ala18Thr (NM_001354259.2, NM_001354612.2); short protein forms A18T, A49T.
Identifiers: ClinVar variation 1390507 (VCV001390507.8), dbSNP rs1372403007, ClinGen allele CA375762560.
Genomic context (GRCh38, chr9:137,716,685, plus strand): 5'-GAGACACCTATGGCTGCCGATGAAGGCTCAGCAGAGAAACAGGCAGGAGAGGCCCACATG[G>A]CTGCGGACGGTGAGACCAATGGGTCTTGTGAAAACAGCGATGCCAGCAGTCATGCAAATG-3'
Protein context (NP_079033.4, residues 39-59): AEKQAGEAHM[Ala49Thr]ADGETNGSCE

ClinVar aggregate classification (germline): Uncertain significance (1 of 4 stars; one submission).

Conditions:
Kleefstra syndrome 1 (KLEFS1). Identifiers: Orphanet 261494, MedGen C0795833, MONDO:0027407, OMIM 610253.

gnomAD v4.1: 1 of 1,605,540 alleles (0.000062%); highest among the groups gnomAD compares: South Asian, 0.0011%; no homozygotes.

Submission:

Labcorp Genetics (formerly Invitae), Labcorp
Classification: Uncertain significance for Kleefstra syndrome 1. Last evaluated: 2022-11-28. Review status: criteria provided, single submitter. Criteria: Invitae Variant Classification Sherloc (09022015). Collection method: clinical testing. Allele origin: germline.
Comment: This sequence change replaces alanine, which is neutral and non-polar, with threonine, which is neutral and polar, at codon 49 of the EHMT1 protein (p.Ala49Thr). This variant is not present in population databases (gnomAD no frequency). This variant has not been reported in the literature in individuals affected with EHMT1-related conditions. ClinVar contains an entry for this variant (Variation ID: 1390507). Algorithms developed to predict the effect of missense changes on protein structure and function output the following: SIFT: "Deleterious"; PolyPhen-2: "Benign"; Align-GVGD: "Class C0". The threonine amino acid residue is found in multiple mammalian species, which suggests that this missense change does not adversely affect protein function. In summary, the available evidence is currently insufficient to determine the role of this variant in disease. Therefore, it has been classified as a Variant of Uncertain Significance.